The following is an entry in ClinVar:

NM_000179.3(MSH6):c.3332_3335dup (p.Asp1112delinsGluTer)

Gene: MSH6 (mutS homolog 6; plus strand). Cytogenetic location: 2p16.3.
Variant type: Duplication.
Coding change: c.3332_3335dup on transcript NM_000179.3 (MANE Select); coding-DNA positions 3332 to 3335, 4 bases duplicated (ATGA; older notation c.3332_3335dupATGA).
Protein change: p.Asp1112delinsGluTer.
Molecular consequence: nonsense.
Genome position (GRCh38, 1-based): chr2:47,803,579-47,803,582, ATGA duplicated; duplicating any 4 consecutive bases within chr2:47,803,578-47,803,582 gives the same sequence; the c. name uses the placement nearest the transcript's 3' end. VCF-style (leftmost placement, unchanged base first): chr2-47803577-T-TAATG. GRCh37 (hg19) VCF-style: chr2-48030716-T-TAATG.
Other names: p.Asp1112GlufsX2; c.2942_2945dup, p.Asp982delinsGluTer (NM_001281492.2); c.2426_2429dup, p.Asp810delinsGluTer (NM_001281493.2, NM_001281494.2); c.3332_3335dupATGA (NM_000179.2).
Identifiers: ClinVar variation 218061 (VCV000218061.30), dbSNP rs587782562, ClinGen allele CA012619.

ClinVar aggregate classification (germline): Pathogenic. Review status: criteria provided, multiple submitters, no conflicts (2 of 4 stars). 10 submissions from 10 submitters: Pathogenic (9). 1 of the submissions does not count toward it. Last evaluated 2025-12-17.

Conditions:
Hereditary nonpolyposis colon cancer (HNPCC). Also called: Hereditary Nonpolyposis Colorectal Cancer Syndrome; Hereditary nonpolyposis colorectal cancer; Familial nonpolyposis colon cancer. Identifiers: Orphanet 443909, MedGen C1333990, MONDO:0018630. Disease mechanism: loss of function.
Hereditary nonpolyposis colorectal neoplasms. Identifiers: MedGen C0009405, MeSH D003123.
Hereditary cancer-predisposing syndrome. Also called: Hereditary Cancer Syndrome; Hereditary neoplastic syndrome; Neoplastic Syndromes, Hereditary; Tumor predisposition. Identifiers: Orphanet 140162, MedGen C0027672, MeSH D009386, MONDO:0015356.
Lynch syndrome. Identifiers: Orphanet 144, MedGen C4552100, MONDO:0005835. Disease mechanism: loss of function.
Lynch syndrome 5 (LYNCH5). Also called: Hereditary non-polyposis colorectal cancer, type 5; Colorectal cancer, hereditary nonpolyposis, type 5. Identifiers: Orphanet 144, MedGen C1833477, MONDO:0013710, OMIM 614350. Disease mechanism: loss of function.

Submissions (10):

Labcorp Genetics (formerly Invitae), Labcorp
Classification: Pathogenic for Hereditary nonpolyposis colorectal neoplasms. Last evaluated: 2025-12-17. Review status: criteria provided, single submitter. Criteria: Invitae Variant Classification Sherloc (09022015). Collection method: clinical testing. Allele origin: germline.
Comment: This sequence change creates a premature translational stop signal (p.Asp1112delinsGlu*) in the MSH6 gene. It is expected to result in an absent or disrupted protein product. Loss-of-function variants in MSH6 are known to be pathogenic (PMID: 18269114, 24362816). This variant is present in population databases (rs587782562, gnomAD 0.0009%). This premature translational stop signal has been observed in individual(s) with colorectal cancer and Lynch syndrome and endometrial cancer (PMID: 19698169, 20028993, 25117503, 26552419). Invitae Evidence Modeling of clinical and family history, age, sex, and reported ancestry of multiple individuals with this MSH6 variant has been performed. This variant is expected to be pathogenic with a positive predictive value of at least 99%. This is a validated machine learning model that incorporates the clinical features of 1,627,235 individuals referred to our laboratory for MSH6 testing. ClinVar contains an entry for this variant (Variation ID: 218061). RNA analysis performed to evaluate the impact of this premature translational stop signal on mRNA splicing indicates it does not significantly alter splicing (internal data). For these reasons, this variant has been classified as Pathogenic.

Color Diagnostics, LLC DBA Color Health
Classification: Pathogenic for Hereditary cancer-predisposing syndrome. Last evaluated: 2025-09-22. Review status: criteria provided, single submitter. Criteria: ACMG Guidelines, 2015. Collection method: clinical testing. Allele origin: germline.
Comment: This variant inserts 4 nucleotides in exon 5 of the MSH6 gene, creating a frameshift and premature translation stop signal. This variant is expected to result in an absent or non-functional protein product. This variant has been reported in individuals affected with colorectal cancer, prostate cancer, and endometrial cancer (PMID: 25117503, 26552419). This variant has been identified in 1/251346 chromosomes in the general population by the Genome Aggregation Database (gnomAD). Loss of MSH6 function is a known mechanism of disease. Based on the available evidence, this variant is classified as Pathogenic.

Quest Diagnostics Nichols Institute San Juan Capistrano
Classification: Pathogenic. Last evaluated: 2025-04-10. Review status: criteria provided, single submitter. Criteria: Quest Diagnostics criteria. Collection method: clinical testing. Allele origin: unknown.
Comment: The MSH6 c.3332_3335dup (p.Asp1112delinsGlu*) variant alters the translational reading frame of the MSH6 mRNA and causes the premature termination of MSH6 protein synthesis. This variant has been reported in the published literature in individuals with Lynch syndrome and/or endometrial or colorectal cancer (PMID: 19698169 (2009), 20028993, (2010), 25117503 (2014), 26552419 (2015), 26099011 (2015)). The frequency of this variant in the general population (Genome Aggregation Database) is consistent with pathogenicity. Based on the available information, this variant is classified as pathogenic.

Ambry Genetics
Classification: Pathogenic for Hereditary cancer-predisposing syndrome. Last evaluated: 2024-09-11. Review status: criteria provided, single submitter. Criteria: Ambry Variant Classification Scheme 2023. Collection method: clinical testing. Allele origin: germline.
Comment: The c.3332_3335dupATGA pathogenic mutation, located in coding exon 5 of the MSH6 gene, results from a duplication of ATGA at nucleotide position 3332, causing a translational frameshift with a predicted alternate stop codon (p.D1112Efs*2). This mutation has been identified in multiple families with Lynch syndrome (Rosty C et al. Fam. Cancer, 2014 Dec;13:573-82; Choi YH et al. Hered Cancer Clin Pract, 2009 Aug;7:14; Baglietto L et al. J. Natl. Cancer Inst., 2010 Feb;102:193-201). Of note, this alteration is also designated as c.3335_3336insATGA and c.3336_3337insATGA in published literature. In addition to the clinical data presented in the literature, this alteration is expected to result in loss of function by premature protein truncation or nonsense-mediated mRNA decay. As such, this alteration is interpreted as a disease-causing mutation.

Myriad Genetics, Inc.
Classification: Pathogenic for Lynch syndrome 5. Last evaluated: 2023-08-22. Review status: criteria provided, single submitter. Criteria: Myriad Autosomal Dominant, Autosomal Recessive and X-Linked Classification Criteria (2023). Collection method: clinical testing. Allele origin: unknown.
Comment: This variant is considered pathogenic. This variant creates a frameshift predicted to result in premature protein truncation.

GeneDx
Classification: Pathogenic. Last evaluated: 2021-04-27. Review status: criteria provided, single submitter. Criteria: GeneDx Variant Classification Process June 2021. Collection method: clinical testing. Allele origin: germline. Affected: yes.
Comment: Frameshift variant predicted to result in protein truncation or nonsense mediated decay in a gene for which loss-of-function is a known mechanism of disease; Not observed in large population cohorts (Lek 2016); Truncating variants in this gene are considered pathogenic by a well-established clinical consortium and/or database; Observed in patients with Lynch-related cancers and tumor studies consistent with pathogenic variants in this gene (Choi 2009, Rosty 2014, Baglietto 2015, Goodfellow 2015, Graham 2015); This variant is associated with the following publications: (PMID: 31447099, 19698169, 25117503, 26552419, 26099011, 20028993)

Mayo Clinic Laboratories, Mayo Clinic
Classification: Pathogenic. Last evaluated: 2020-07-10. Review status: criteria provided, single submitter. Criteria: ACMG Guidelines, 2015. Collection method: clinical testing. Allele origin: germline. Observed: 1 variant allele.
Comment: PVS1, PM2, PP4

Women's Health and Genetics/Laboratory Corporation of America, LabCorp
Classification: Pathogenic for Lynch syndrome. Last evaluated: 2019-01-09. Review status: criteria provided, single submitter. Criteria: LabCorp Variant Classification Summary - May 2015. Collection method: clinical testing. Allele origin: germline.
Comment: Variant summary: MSH6 c.3332_3335dupATGA (p.Asp1112GlufsX2) results in a premature termination codon, predicted to cause a truncation of the encoded protein or absence of the protein due to nonsense mediated decay, which are commonly known mechanisms for disease. Truncations downstream of this position have been classified as pathogenic by our laboratory (e.g. c.3476dupA (p.Tyr1159X), c.3477C>G (p.Tyr1159X), and c.3513_3514delTA (p.Asp1171fsX5)). The variant allele was found at a frequency of 4.1e-06 in 246100 control chromosomes (gnomAD). c.3332_3335dupATGA has been reported in the literature in individuals affected with Lynch Syndrome or related tumor phenotypes (Choi_2009, Goodfellow_2015). These data indicate that the variant may be associated with disease. To our knowledge, no experimental evidence demonstrating an impact on protein function has been reported. Two ClinVar submissions from clinical diagnostic laboratories (evaluation after 2014) cite the variant as pathogenic. Based on the evidence outlined above, the variant was classified as pathogenic.

Laboratory for Molecular Medicine, Mass General Brigham Personalized Medicine
Classification: Pathogenic for Lynch syndrome. Last evaluated: 2018-07-13. Review status: criteria provided, single submitter. Criteria: LMM Criteria. Collection method: clinical testing. Allele origin: germline. Inheritance: Autosomal dominant inheritance. Observed: 1 variant allele.
Comment: The p.Asp1112GlufsX2 variant in MSH6 has been reported in at least 3 families wi th Lynch Syndrome-related cancers and segregated with disease in at least one af fected relative (Choi 2009, Rosty 2014, Goodfellow 2015). This variant has also been reported in ClinVar (Variation ID# 218061). This variant has been identifie d in 1/111584 European chromosomes by the Genome Aggregation Database (gnomAD). This variant is predicted to cause a frameshif t, which alters the protein?s amino acid sequence beginning at position 1112 and leads to a premature termination codon 2 amino acids downstream. This alteratio n is then predicted to lead to a truncated or absent protein. Heterozygous loss of function of the MSH6 gene is an established disease mechanism in Lynch Syndro me. In summary, this variant meets criteria to be classified as pathogenic for L ynch Syndrome in an autosomal dominant manner based upon the presence in affecte d probands, low frequency in controls, and the predicted impact on the protein. ACMG/AMP Criteria applied: PVS1, PM2, PS4_Supporting.

Department of Pathology and Laboratory Medicine, Sinai Health System
Classification: Pathogenic. Review status: no assertion criteria provided. Collection method: clinical testing. Allele origin: unknown. Affected: yes. Observed: 2 variant alleles. Study: The Canadian Open Genetics Repository (COGR). Not counted in ClinVar's aggregate classification.

Literature cited by the submitters: PubMed 18269114 (cited by Labcorp Genetics (formerly Invitae), Labcorp); PubMed 24362816 (cited by Labcorp Genetics (formerly Invitae), Labcorp); PubMed 19698169 (cited by 6 submitters); PubMed 20028993 (cited by 6 submitters); PubMed 25117503 (cited by 7 submitters); PubMed 26552419 (cited by 6 submitters); PubMed 31447099 (cited by Quest Diagnostics Nichols Institute San Juan Capistrano); PubMed 26099011 (cited by Quest Diagnostics Nichols Institute San Juan Capistrano).